The following is an entry in ClinVar:

ClinVar aggregate classification (germline): Likely benign. Review status: criteria provided, multiple submitters, no conflicts (2 of 4 stars). 2 submissions from 2 submitters: Likely benign (2). Last evaluated 2025-11-03.

Allele frequency attached by ClinVar (database versions not stated): TOPMed below 0.00001; gnomAD 0.00003; 1000 Genomes Project 30x 0.00016; 1000 Genomes Project 0.00020.
gnomAD v4.1: 27 of 1,611,782 alleles (0.0017%); highest among the groups gnomAD compares: Middle Eastern, 0.017%; no homozygotes.

Submissions (2):

Labcorp Genetics (formerly Invitae), Labcorp
Classification: Likely benign. Last evaluated: 2025-11-03. Review status: criteria provided, single submitter. Criteria: Invitae Variant Classification Sherloc (09022015). Collection method: clinical testing. Allele origin: germline.

CeGaT Center for Human Genetics Tuebingen
Classification: Likely benign. Last evaluated: 2024-05-01. Review status: criteria provided, single submitter. Criteria: CeGaT Center For Human Genetics Tuebingen Variant Classification Criteria Version 2. Collection method: clinical testing. Allele origin: germline. Affected: yes. Observed: 1 variant allele.
Comment: TELO2: BP4, BP7

NM_016111.4(TELO2):c.1329C>G (p.Pro443=)

Gene: TELO2 (telomere maintenance 2; plus strand). Cytogenetic location: 16p13.3.
Variant type: single nucleotide variant.
Coding change: c.1329C>G on transcript NM_016111.4 (MANE Select); coding-DNA position 1329, C replaced by G.
Protein change: p.Pro443=; no amino-acid change (proline 443 retained).
Molecular consequence: synonymous variant.
Genome position (GRCh38, 1-based): chr16:1,501,467, C>G. VCF-style: chr16-1501467-C-G. GRCh37 (hg19) VCF-style: chr16-1551468-C-G.
Other names: c.1329C>G, p.Pro443= (NM_001351846.2).
Identifiers: ClinVar variation 3015873 (VCV003015873.22), dbSNP rs541069927, ClinGen allele CA276657921.